The following is an entry in ClinVar:

ClinVar aggregate classification (germline): Likely benign (1 of 4 stars; one submission).

Allele frequency attached by ClinVar (database versions not stated): ESP Exome Variant Server 0.00008; gnomAD 0.00008 and 0.00010; TOPMed 0.00008; gnomAD exomes 0.00009 and 0.00010; ExAC 0.00012.
gnomAD v4.1: 141 of 1,611,636 alleles (0.0087%); highest among the groups gnomAD compares: South Asian, 0.08%; 1 homozygote.

Submission:

GeneDx
Classification: Likely benign. Last evaluated: 2016-11-08. Review status: criteria provided, single submitter. Criteria: GeneDx Variant Classification (06012015). Collection method: clinical testing. Allele origin: germline. Affected: yes.
Comment: This variant is considered likely benign or benign based on one or more of the following criteria: it is a conservative change, it occurs at a poorly conserved position in the protein, it is predicted to be benign by multiple in silico algorithms, and/or has population frequency not consistent with disease.

NM_001289808.2(CRYAB):c.*16T>C

Gene: CRYAB (crystallin alpha B; minus strand). Cytogenetic location: 11q23.1.
Variant type: single nucleotide variant.
Coding change: c.*16T>C on transcript NM_001289808.2 (MANE Select); 16 bases downstream of the stop codon, T replaced by C.
Molecular consequence: 3 prime UTR variant.
Genome position (GRCh38, 1-based): chr11:111,908,748, A>G on the plus strand (T>C on the coding strand, the complement: CRYAB is on the minus strand). VCF-style: chr11-111908748-A-G. GRCh37 (hg19) VCF-style: chr11-111779472-A-G.
Other names: c.*16T>C (NM_001289807.1, NM_001330379.1, NM_001368245.1 and 2 more transcripts).
Identifiers: ClinVar variation 385151 (VCV000385151.1), dbSNP rs370347325, ClinGen allele CA6275445.